The following is an entry in ClinVar:

NM_001018005.2(TPM1):c.772+98C>T

Gene: TPM1 (tropomyosin 1; plus strand). Cytogenetic location: 15q22.2.
Variant type: single nucleotide variant.
Coding change: c.772+98C>T on transcript NM_001018005.2 (MANE Select); 98 bases into the intron after coding-DNA position 772, C replaced by T.
Molecular consequence: intron variant. On other transcripts: synonymous variant (3), non-coding transcript variant (1).
Genome position (GRCh38, 1-based): chr15:63,062,743, C>T. VCF-style: chr15-63062743-C-T. GRCh37 (hg19) VCF-style: chr15-63354942-C-T.
Other names: c.870C>T, p.Leu290= (NM_001407325.1); c.762C>T, p.Leu254= (NM_001407340.1, NM_001407341.1); c.898+98C>T (NM_001365778.1, NM_001407323.1, NM_001407322.1 and 1 more transcripts); c.772+98C>T (NM_001407336.1, NM_001018020.2, NM_001407338.1 and 19 more transcripts); c.664+98C>T (NM_001330351.2, NM_001330344.2, NM_001018008.2 and 7 more transcripts).
Identifiers: ClinVar variation 3025133 (VCV003025133.22), dbSNP rs998046163, ClinGen allele CA272034444.

ClinVar aggregate classification (germline): Likely benign (1 of 4 stars; one submission).

Allele frequency attached by ClinVar (database versions not stated): TOPMed 0.00288.

Submission:

CeGaT Center for Human Genetics Tuebingen
Classification: Likely benign. Last evaluated: 2026-02-01. Review status: criteria provided, single submitter. Criteria: CeGaT Center For Human Genetics Tuebingen Variant Classification Criteria Version 2. Collection method: clinical testing. Allele origin: germline. Affected: yes. Observed: 4 variant alleles.
Comment: TPM1: PM2:Supporting, BP4, BP7